The following is an entry in ClinVar:

ClinVar aggregate classification (germline): Uncertain significance. Review status: criteria provided, multiple submitters, no conflicts (2 of 4 stars). 2 submissions from 2 submitters: Uncertain significance (2). Last evaluated 2026-09-19.

Conditions:
Nephronophthisis 14 (NPHP14). Identifiers: Orphanet 2318, MedGen C3539071, MONDO:0013916, OMIM 614844.
ZNF423-related disorder. Also called: ZNF423-related condition.

Allele frequency attached by ClinVar (database versions not stated): gnomAD 0.00005; gnomAD exomes 0.00007 and 0.00008; TOPMed 0.00008; ExAC 0.00009; ESP Exome Variant Server 0.00015; 1000 Genomes Project 0.00040; 1000 Genomes Project 30x 0.00047.

Submissions (2):

PreventionGenetics, part of Exact Sciences
Classification: Uncertain significance for ZNF423-related condition. Last evaluated: 2026-09-19. Review status: criteria provided, single submitter. Criteria: ACMG Guidelines, 2015. Collection method: clinical testing. Allele origin: germline.
Comment: The ZNF423 c.2108C>T variant is predicted to result in the amino acid substitution p.Ser703Leu. This variant was reported with a second ZNF423 in an individual with with features of Joubert syndrome 19 (Table 3, Westphal et al. 2019. PubMed ID: 30868567). This variant is reported in 0.012% of alleles in individuals of European (non-Finnish) descent in gnomAD. At this time, the clinical significance of this variant is uncertain due to the absence of conclusive functional and genetic evidence.

Labcorp Genetics (formerly Invitae), Labcorp
Classification: Uncertain significance for Nephronophthisis 14. Last evaluated: 2022-08-21. Review status: criteria provided, single submitter. Criteria: Invitae Variant Classification Sherloc (09022015). Collection method: clinical testing. Allele origin: germline.
Comment: This sequence change replaces serine, which is neutral and polar, with leucine, which is neutral and non-polar, at codon 703 of the ZNF423 protein (p.Ser703Leu). This variant is present in population databases (rs144284315, gnomAD 0.01%). This missense change has been observed in individual(s) with Joubert syndrome (PMID: 30868567). ClinVar contains an entry for this variant (Variation ID: 855491). Algorithms developed to predict the effect of missense changes on protein structure and function are either unavailable or do not agree on the potential impact of this missense change (SIFT: "Deleterious"; PolyPhen-2: "Possibly Damaging"; Align-GVGD: "Class C0"). In summary, the available evidence is currently insufficient to determine the role of this variant in disease. Therefore, it has been classified as a Variant of Uncertain Significance.

Literature cited by the submitters: PubMed 30868567 (cited by Labcorp Genetics (formerly Invitae), Labcorp).

NM_001379286.1(ZNF423):c.2132C>T (p.Ser711Leu)

Gene: ZNF423 (zinc finger protein 423; minus strand). Cytogenetic location: 16q12.1.
Variant type: single nucleotide variant.
Coding change: c.2132C>T on transcript NM_001379286.1 (MANE Select); coding-DNA position 2132, C replaced by T.
Protein change: p.Ser711Leu; replaces serine 711 with leucine.
Molecular consequence: missense variant.
Genome position (GRCh38, 1-based): chr16:49,637,044, G>A on the plus strand (C>T on the coding strand, the complement: ZNF423 is on the minus strand). VCF-style: chr16-49637044-G-A. GRCh37 (hg19) VCF-style: chr16-49670955-G-A.
Other names: c.1928C>T, p.Ser643Leu (NM_001271620.2); c.1757C>T, p.Ser586Leu (NM_001330533.2); c.2108C>T, p.Ser703Leu (NM_015069.5); c.2108C>T (NM_015069.4); short protein forms S586L, S643L, S703L, S711L.
Identifiers: ClinVar variation 855491 (VCV000855491.6), dbSNP rs144284315, ClinGen allele CA8046561.